The following is an entry in ClinVar:

NM_003737.4(DCHS1):c.7912C>T (p.Arg2638Cys)

Gene: DCHS1 (dachsous cadherin-related 1; minus strand). Cytogenetic location: 11p15.4.
Variant type: single nucleotide variant.
Coding change: c.7912C>T on transcript NM_003737.4 (MANE Select); coding-DNA position 7912, C replaced by T.
Protein change: p.Arg2638Cys; replaces arginine 2638 with cysteine.
Molecular consequence: missense variant.
Genome position (GRCh38, 1-based): chr11:6,623,764, G>A on the plus strand (C>T on the coding strand, the complement: DCHS1 is on the minus strand). VCF-style: chr11-6623764-G-A. GRCh37 (hg19) VCF-style: chr11-6644995-G-A.
Other names: c.7912C>T (NM_003737.2); short protein forms R2638C.
Identifiers: ClinVar variation 1969240 (VCV001969240.6), dbSNP rs980046566, ClinGen allele CA217329835.

ClinVar aggregate classification (germline): Uncertain significance. Review status: criteria provided, multiple submitters, no conflicts (2 of 4 stars). 2 submissions from 2 submitters: Uncertain significance (2). Last evaluated 2025-02-03.

Conditions:
Inborn genetic diseases. Identifiers: MedGen C0950123, MeSH D030342.

Allele frequency attached by ClinVar (database versions not stated): TOPMed below 0.00001.
gnomAD v4.1: 5 of 1,613,960 alleles (0.00031%); highest among the groups gnomAD compares: Non-Finnish European, 0.00042%; no homozygotes.

Submissions (2):

Labcorp Genetics (formerly Invitae), Labcorp
Classification: Uncertain significance. Last evaluated: 2025-02-03. Review status: criteria provided, single submitter. Criteria: Invitae Variant Classification Sherloc (09022015). Collection method: clinical testing. Allele origin: germline.
Comment: This sequence change replaces arginine, which is basic and polar, with cysteine, which is neutral and slightly polar, at codon 2638 of the DCHS1 protein (p.Arg2638Cys). This variant is not present in population databases (gnomAD no frequency). This variant has not been reported in the literature in individuals affected with DCHS1-related conditions. ClinVar contains an entry for this variant (Variation ID: 1969240). Invitae Evidence Modeling of protein sequence and biophysical properties (such as structural, functional, and spatial information, amino acid conservation, physicochemical variation, residue mobility, and thermodynamic stability) indicates that this missense variant is expected to disrupt DCHS1 protein function with a positive predictive value of 80%. In summary, the available evidence is currently insufficient to determine the role of this variant in disease. Therefore, it has been classified as a Variant of Uncertain Significance.

Ambry Genetics
Classification: Uncertain significance for Inborn genetic diseases. Last evaluated: 2024-06-10. Review status: criteria provided, single submitter. Criteria: Ambry Variant Classification Scheme 2023. Collection method: clinical testing. Allele origin: germline.